The following is an entry in ClinVar:

NM_000089.4(COL1A2):c.3208C>T (p.His1070Tyr)

Gene: COL1A2 (collagen type I alpha 2 chain; plus strand). Cytogenetic location: 7q21.3.
Variant type: single nucleotide variant.
Coding change: c.3208C>T on transcript NM_000089.4 (MANE Select); coding-DNA position 3208, C replaced by T.
Protein change: p.His1070Tyr; replaces histidine 1070 with tyrosine.
Molecular consequence: missense variant.
Genome position (GRCh38, 1-based): chr7:94,427,236, C>T. VCF-style: chr7-94427236-C-T. GRCh37 (hg19) VCF-style: chr7-94056548-C-T.
Other names: short protein forms H1070Y.
Identifiers: ClinVar variation 2940694 (VCV002940694.3), dbSNP rs1792297520, ClinGen allele CA368225500.

ClinVar aggregate classification (germline): Uncertain significance (1 of 4 stars; one submission).

Conditions:
Osteogenesis imperfecta type I (OI1). Also called: Lobstein disease; OI, TYPE I; OSTEOGENESIS IMPERFECTA TARDA; OSTEOGENESIS IMPERFECTA WITH BLUE SCLERAE; Osteogenesis imperfecta type 1; Lobstein's Disease. Identifiers: Orphanet 216796, Orphanet 666, MedGen C0023931, MONDO:0008146, OMIM 166200. Disease mechanism: loss of function.
Ehlers-Danlos syndrome, classic type, 1 (EDSCL1). Also called: EDS I; EHLERS-DANLOS SYNDROME, GRAVIS TYPE; EHLERS-DANLOS SYNDROME, SEVERE CLASSIC TYPE; Ehlers-Danlos syndrome, type 1; Ehlers-Danlos Syndrome, Classic Type, COL5A1-Related. Identifiers: MedGen C0268335, MONDO:0019567, OMIM 130000.

Allele frequency attached by ClinVar (database versions not stated): gnomAD exomes below 0.00001; TOPMed below 0.00001.
gnomAD v4.1: 1 of 1,613,970 alleles (0.000062%); highest among the groups gnomAD compares: Non-Finnish European, 0.000085%; no homozygotes.

Submission:

Labcorp Genetics (formerly Invitae), Labcorp
Classification: Uncertain significance for Osteogenesis imperfecta type I; Ehlers-Danlos syndrome, classic type, 1. Last evaluated: 2025-01-26. Review status: criteria provided, single submitter. Criteria: Invitae Variant Classification Sherloc (09022015). Collection method: clinical testing. Allele origin: germline.
Comment: This sequence change replaces histidine, which is basic and polar, with tyrosine, which is neutral and polar, at codon 1070 of the COL1A2 protein (p.His1070Tyr). This variant is not present in population databases (gnomAD no frequency). This variant has not been reported in the literature in individuals affected with COL1A2-related conditions. ClinVar contains an entry for this variant (Variation ID: 2940694). Invitae Evidence Modeling of protein sequence and biophysical properties (such as structural, functional, and spatial information, amino acid conservation, physicochemical variation, residue mobility, and thermodynamic stability) indicates that this missense variant is not expected to disrupt COL1A2 protein function with a negative predictive value of 95%. In summary, the available evidence is currently insufficient to determine the role of this variant in disease. Therefore, it has been classified as a Variant of Uncertain Significance.